The following is an entry in ClinVar:

ClinVar aggregate classification (germline): Likely pathogenic (1 of 4 stars; one submission).

gnomAD v4.1: 2 of 1,613,902 alleles (0.00012%); highest among the groups gnomAD compares: Non-Finnish European, 0.00017%; no homozygotes.

Submission:

Dasa
Classification: Likely pathogenic. Last evaluated: 2024-09-15. Review status: criteria provided, single submitter. Criteria: DASA Assertion Criteria. Collection method: clinical testing. Allele origin: germline.
Comment: NM_001291303.3(FAT4):c.10093C>T (p.Arg3365*) is a nonsense variant in FAT4 predicted to introduce a premature termination codon and is predicted to result in an absent or altered protein product. Loss of function is an established disease mechanism for FAT4-associated disorders. Also, this variant is rare in population databases. Based on the currently available evidence, this variant is classified as likely pathogenic.

NM_001291303.3(FAT4):c.10093C>T (p.Arg3365Ter)

Gene: FAT4 (FAT atypical cadherin 4; plus strand). Cytogenetic location: 4q28.1.
Variant type: single nucleotide variant.
Coding change: c.10093C>T on transcript NM_001291303.3 (MANE Select); coding-DNA position 10093, C replaced by T.
Protein change: p.Arg3365Ter; replaces arginine 3365 with a stop codon.
Molecular consequence: nonsense.
Genome position (GRCh38, 1-based): chr4:125,451,103, C>T. VCF-style: chr4-125451103-C-T. GRCh37 (hg19) VCF-style: chr4-126372258-C-T.
Other names: c.10093C>T, p.Arg3365Ter (NM_001291285.3, NM_001438396.1, NM_001438397.1); c.4864C>T, p.Arg1622Ter (NM_001437895.1); c.10087C>T, p.Arg3363Ter (NM_024582.6); short protein forms R1622*, R3363*, R3365*.
Identifiers: ClinVar variation 4880677 (VCV004880677.2).